The following is an entry in ClinVar:

ClinVar aggregate classification (germline): Uncertain significance (1 of 4 stars; one submission).

Conditions:
Inborn genetic diseases. Identifiers: MedGen C0950123, MeSH D030342.

Allele frequency attached by ClinVar (database versions not stated): gnomAD exomes 0.00001.
gnomAD v4.1: 7 of 1,612,056 alleles (0.00043%); highest among the groups gnomAD compares: East Asian, 0.0022%; no homozygotes.

Submission:

Ambry Genetics
Classification: Uncertain significance for Inborn genetic diseases. Last evaluated: 2023-10-20. Review status: criteria provided, single submitter. Criteria: Ambry Variant Classification Scheme 2023. Collection method: clinical testing. Allele origin: germline.
Comment: The c.1232G>A (p.R411Q) alteration is located in exon 13 (coding exon 13) of the BRSK2 gene. This alteration results from a G to A substitution at nucleotide position 1232, causing the arginine (R) at amino acid position 411 to be replaced by a glutamine (Q). This variant was not reported in population-based cohorts in the Genome Aggregation Database (gnomAD). This amino acid position is well conserved in available vertebrate species. This missense alteration is located in a region that has a low rate of benign missense variation (Lek, 2016; Firth, 2009). This alteration is predicted to be tolerated by in silico analysis. Based on insufficient or conflicting evidence, the clinical significance of this alteration remains unclear.

NM_001256627.2(BRSK2):c.1232G>A (p.Arg411Gln)

Gene: BRSK2 (BR serine/threonine kinase 2; plus strand). Cytogenetic location: 11p15.5.
Variant type: single nucleotide variant.
Coding change: c.1232G>A on transcript NM_001256627.2 (MANE Select); coding-DNA position 1232, G replaced by A.
Protein change: p.Arg411Gln; replaces arginine 411 with glutamine.
Molecular consequence: missense variant. On other transcripts: non-coding transcript variant (1).
Genome position (GRCh38, 1-based): chr11:1,449,781, G>A. VCF-style: chr11-1449781-G-A. GRCh37 (hg19) VCF-style: chr11-1471011-G-A.
Other names: c.1232G>A, p.Arg411Gln (NM_001256629.2, NM_003957.4); c.1370G>A, p.Arg457Gln (NM_001256630.1); c.1052G>A, p.Arg351Gln (NM_001282218.2); short protein forms R457Q, R351Q, R411Q.
Identifiers: ClinVar variation 3135157 (VCV003135157.1), dbSNP rs1564867655, ClinGen allele CA379074689.